The following is an entry in ClinVar:

ClinVar aggregate classification (germline): Uncertain significance (1 of 4 stars; one submission).

Conditions:
Cystic fibrosis (CF). Also called: MUCOVISCIDOSIS. Identifiers: Orphanet 586, MedGen C0010674, MONDO:0009061, OMIM 219700. Disease mechanism: loss of function.

Submission:

Institute of Human Genetics, University of Leipzig Medical Center
Classification: Uncertain significance for Cystic fibrosis. Last evaluated: 2022-09-05. Review status: criteria provided, single submitter. Criteria: ACMG Guidelines, 2015. Collection method: curation. Allele origin: unknown. Affected: yes. Observed: 1 variant allele.
Comment: The variant was classified in the context of a project re-classifying variants in the German Cystic Fibrosis Registry (Muko.e.V.). Criteria applied: PM2_SUP, PM4_SUP, PM3

NM_000492.4(CFTR):c.4111_4113dup (p.Glu1371_Pro1372insGlu)

Gene: CFTR (CF transmembrane conductance regulator; plus strand). Cytogenetic location: 7q31.2.
Variant type: Duplication.
Coding change: c.4111_4113dup on transcript NM_000492.4 (MANE Select); coding-DNA positions 4111 to 4113, 3 bases duplicated (GAA; older notation c.4111_4113dupGAA).
Protein change: p.Glu1371_Pro1372insGlu.
Molecular consequence: inframe insertion.
Genome position (GRCh38, 1-based): chr7:117,664,835-117,664,837, GAA duplicated. VCF-style (leftmost placement, unchanged base first): chr7-117664834-T-TGAA. GRCh37 (hg19) VCF-style: chr7-117304888-T-TGAA.
Identifiers: ClinVar variation 1706016 (VCV001706016.1), dbSNP rs2485181978, ClinGen allele CA2580076372.
Genomic context (GRCh38, chr7:117,664,834, plus strand): 5'-CAAGCAGTTGATGTGCTTGGCTAGATCTGTTCTCAGTAAGGCGAAGATCTTGCTGCTTGA[T>TGAA]GAACCCAGTGCTCATTTGGATCCAGTGTGAGTTTCAGATGTTCTGTTACTTAATAGCACA-3'